The following is an entry in ClinVar:

ClinVar aggregate classification (germline): Pathogenic (1 of 4 stars; one submission).

Conditions:
Mucopolysaccharidosis, MPS-III-B (MPS3B). Also called: N-ACETYL-ALPHA-D-GLUCOSAMINIDASE DEFICIENCY; NAGLU DEFICIENCY; SANFILIPPO SYNDROME B; MPS III B; MUCOPOLYSACCHARIDOSIS, TYPE IIIB; Mucopolysaccharidosis type IIIB (Sanfilippo B). Identifiers: Orphanet 79270, MedGen C0086648, MONDO:0009656, OMIM 252920.

Submission:

Myriad Genetics, Inc.
Classification: Pathogenic for Mucopolysaccharidosis, MPS-III-B. Last evaluated: 2023-10-09. Review status: criteria provided, single submitter. Criteria: Myriad Autosomal Dominant, Autosomal Recessive and X-Linked Classification Criteria (2023). Collection method: clinical testing. Allele origin: unknown.
Comment: NM_000263.3(NAGLU):c.22_23ins16(A8Dfs*189) is expected to be pathogenic in the context of mucopolysaccharidosis type IIIB. This variant is predicted to lead to an abnormal or absent protein product due to the creation of a premature termination codon in NAGLU, a gene where loss-of-function variants are known to be pathogenic. Please note: this variant was assessed in the context of healthy population screening.

NM_000263.4(NAGLU):c.22_23insACCGGGTGATCCTCAT (p.Ala8fs)

Genes: NAGLU (N-acetyl-alpha-glucosaminidase; plus strand), LOC130060903 (ATAC-STARR-seq lymphoblastoid silent region 8533; plus strand). Cytogenetic location: 17q21.2.
Variant type: Insertion.
Coding change: c.22_23insACCGGGTGATCCTCAT on transcript NM_000263.4 (MANE Select); coding-DNA positions 22 to 23, ACCGGGTGATCCTCAT inserted.
Protein change: p.Ala8fs; shifts the reading frame from alanine 8.
Molecular consequence: frameshift variant.
Genome position: GRCh38 VCF-style: chr17-42536294-G-GACCGGGTGATCCTCAT. GRCh37 (hg19) VCF-style: chr17-40688312-G-GACCGGGTGATCCTCAT.
Other names: short protein forms A8fs.
Identifiers: ClinVar variation 5012371 (VCV005012371.1).